The following is an entry in ClinVar:

ClinVar aggregate classification (germline): Likely benign (1 of 4 stars; one submission).

gnomAD v4.1: 39 of 1,614,064 alleles (0.0024%); highest among the groups gnomAD compares: Middle Eastern, 0.049%; no homozygotes.

Submission:

CeGaT Center for Human Genetics Tuebingen
Classification: Likely benign. Last evaluated: 2025-02-01. Review status: criteria provided, single submitter. Criteria: CeGaT Center For Human Genetics Tuebingen Variant Classification Criteria Version 2. Collection method: clinical testing. Allele origin: germline. Affected: yes. Observed: 1 variant allele.
Comment: ALG8: BP4, BP7

NM_024079.5(ALG8):c.1401G>T (p.Leu467=)

Gene: ALG8 (ALG8 alpha-1,3-glucosyltransferase; minus strand). Cytogenetic location: 11q14.1.
Variant type: single nucleotide variant.
Coding change: c.1401G>T on transcript NM_024079.5 (MANE Select); coding-DNA position 1401, G replaced by T.
Protein change: p.Leu467=; no amino-acid change (leucine 467 retained).
Molecular consequence: synonymous variant. On other transcripts: missense variant (2), 3 prime UTR variant (6), non-coding transcript variant (2).
Genome position (GRCh38, 1-based): chr11:78,101,144, C>A on the plus strand (G>T on the coding strand, the complement: ALG8 is on the minus strand). VCF-style: chr11-78101144-C-A. GRCh37 (hg19) VCF-style: chr11-77812190-C-A.
Other names: c.1395G>T, p.Leu465= (NM_001425223.1); c.1494G>T, p.Leu498= (NM_001425224.1); c.1449G>T, p.Leu483= (NM_001425225.1); c.1248G>T, p.Leu416= (NM_001425226.1); c.1230G>T, p.Leu410= (NM_001425227.1); c.1227G>T, p.Leu409= (NM_001425228.1); c.1328G>T, p.Trp443Leu (NM_001425229.1); c.*68G>T (NM_001425230.1); and 15 more; short protein forms W317L, W443L.
Identifiers: ClinVar variation 3770913 (VCV003770913.13).
Genomic context (GRCh38, chr11:78,101,144, plus strand): 5'-GTACTTCACCTTCCAGGAGGTGAAAGGGAATACAAATTCACAGCAGACTTCCAGAGGCCC[C>A]AGGCCAAGCAGGTAGAAAGTTTCCATCCAATTAAAAAGAGGTTTTTCTTTTCTGAAGGAA-3'
Protein context (NP_076984.2, residues 457-477): NWMETFYLLG[Leu467=]GPLEVCCEFV